The following is an entry in ClinVar:

NM_001378778.1(MPDZ):c.1127T>C (p.Phe376Ser)

Gene: MPDZ (multiple PDZ domain crumbs cell polarity complex component; minus strand). Cytogenetic location: 9p23.
Variant type: single nucleotide variant.
Coding change: c.1127T>C on transcript NM_001378778.1 (MANE Select); coding-DNA position 1127, T replaced by C.
Protein change: p.Phe376Ser; replaces phenylalanine 376 with serine.
Molecular consequence: missense variant.
Genome position (GRCh38, 1-based): chr9:13,217,254, A>G on the plus strand (T>C on the coding strand, the complement: MPDZ is on the minus strand). VCF-style: chr9-13217254-A-G. GRCh37 (hg19) VCF-style: chr9-13217253-A-G.
Other names: c.1127T>C, p.Phe376Ser (NM_001261406.2, NM_001261407.2, NM_001330637.2 and 14 more transcripts); short protein forms F376S.
Identifiers: ClinVar variation 1355717 (VCV001355717.5), dbSNP rs2136141013, ClinGen allele CA372944877.

ClinVar aggregate classification (germline): Uncertain significance (1 of 4 stars; one submission).

Allele frequency attached by ClinVar (database versions not stated): gnomAD exomes below 0.00001.
gnomAD v4.1: 1 of 1,603,664 alleles (0.000062%); highest among the groups gnomAD compares: Non-Finnish European, 0.000085%; no homozygotes.

Submission:

Labcorp Genetics (formerly Invitae), Labcorp
Classification: Uncertain significance. Last evaluated: 2022-08-23. Review status: criteria provided, single submitter. Criteria: Invitae Variant Classification Sherloc (09022015). Collection method: clinical testing. Allele origin: germline.
Comment: This sequence change replaces phenylalanine, which is neutral and non-polar, with serine, which is neutral and polar, at codon 376 of the MPDZ protein (p.Phe376Ser). This variant is not present in population databases (gnomAD no frequency). This variant has not been reported in the literature in individuals affected with MPDZ-related conditions. ClinVar contains an entry for this variant (Variation ID: 1355717). Algorithms developed to predict the effect of missense changes on protein structure and function (SIFT, PolyPhen-2, Align-GVGD) all suggest that this variant is likely to be disruptive. In summary, the available evidence is currently insufficient to determine the role of this variant in disease. Therefore, it has been classified as a Variant of Uncertain Significance.